The following is an entry in ClinVar:

NM_001184900.3(CARD8):c.1545C>G (p.Asp515Glu)

Gene: CARD8 (caspase recruitment domain family member 8; minus strand). Cytogenetic location: 19q13.33.
Variant type: single nucleotide variant.
Coding change: c.1545C>G on transcript NM_001184900.3 (MANE Select); coding-DNA position 1545, C replaced by G.
Protein change: p.Asp515Glu; replaces aspartic acid 515 with glutamic acid.
Molecular consequence: missense variant. On other transcripts: 3 prime UTR variant (7), non-coding transcript variant (3), intron variant (1).
Genome position (GRCh38, 1-based): chr19:48,211,779, G>C on the plus strand (C>G on the coding strand, the complement: CARD8 is on the minus strand). VCF-style: chr19-48211779-G-C. GRCh37 (hg19) VCF-style: chr19-48715036-G-C.
Other names: c.1395C>G, p.Asp465Glu (NM_001184901.1, NM_001351783.2, NM_014959.5); c.*224C>G (NM_001184902.2, NM_001184903.1, NM_001351788.2 and 4 more transcripts); c.1545C>G, p.Asp515Glu (NM_001351782.2); c.1230C>G, p.Asp410Glu (NM_001351784.2); c.1209C>G, p.Asp403Glu (NM_001351786.2); c.1227C>G, p.Asp409Glu (NM_001365950.1); c.1033+3561C>G (NM_001351787.2); short protein forms D515E, D409E, D465E, D410E, D403E.
Identifiers: ClinVar variation 2170902 (VCV002170902.4), dbSNP rs8112588, ClinGen allele CA406663048.

ClinVar aggregate classification (germline): Uncertain significance (1 of 4 stars; one submission).

gnomAD v4.1: 6 of 1,614,054 alleles (0.00037%); no homozygotes.

Submission:

Labcorp Genetics (formerly Invitae), Labcorp
Classification: Uncertain significance. Last evaluated: 2025-11-13. Review status: criteria provided, single submitter. Criteria: Invitae Variant Classification Sherloc (09022015). Collection method: clinical testing. Allele origin: germline.
Comment: This sequence change replaces aspartic acid, which is acidic and polar, with glutamic acid, which is acidic and polar, at codon 465 of the CARD8 protein (p.Asp465Glu). This variant is not present in population databases (gnomAD no frequency). This variant has not been reported in the literature in individuals affected with CARD8-related conditions. ClinVar contains an entry for this variant (Variation ID: 2170902). An algorithm developed to predict the effect of missense changes on protein structure and function outputs the following: PolyPhen-2: "Benign". The glutamic acid amino acid residue is found in multiple mammalian species, which suggests that this missense change does not adversely affect protein function. In summary, the available evidence is currently insufficient to determine the role of this variant in disease. Therefore, it has been classified as a Variant of Uncertain Significance.